The following is an entry in ClinVar:

ClinVar aggregate classification (germline): Conflicting classifications of pathogenicity. Review status: criteria provided, conflicting classifications (1 of 4 stars). 2 submissions from 2 submitters: Uncertain significance (1); Likely benign (1). Last evaluated 2024-04-16.

Conditions:
Hereditary breast ovarian cancer syndrome. Also called: Hereditary breast and ovarian cancer; Hereditary breast and ovarian cancer syndrome (HBOC); Breast and ovarian cancer; Hereditary breast and/or ovarian cancer syndrome; BRCA1- and BRCA2-Associated Hereditary Breast and Ovarian Cancer; Hereditary breast and ovarian cancer syndrome. Identifiers: Orphanet 145, MedGen C0677776, MeSH D061325, MONDO:0003582. Disease mechanism: loss of function.
Hereditary cancer-predisposing syndrome. Also called: Neoplastic Syndromes, Hereditary; Tumor predisposition; Hereditary Cancer Syndrome; Hereditary neoplastic syndrome. Identifiers: Orphanet 140162, MedGen C0027672, MeSH D009386, MONDO:0015356.

Allele frequency attached by ClinVar (database versions not stated): TOPMed 0.00001.

Submissions (3):

Labcorp Genetics (formerly Invitae), Labcorp
Classification: Uncertain significance for Hereditary breast ovarian cancer syndrome. Last evaluated: 2024-04-16. Review status: criteria provided, single submitter. Criteria: Invitae Variant Classification Sherloc (09022015). Collection method: clinical testing. Allele origin: germline.
Comment: This sequence change replaces valine, which is neutral and non-polar, with isoleucine, which is neutral and non-polar, at codon 1842 of the BRCA1 protein (p.Val1842Ile). This variant is not present in population databases (gnomAD no frequency). This variant has not been reported in the literature in individuals affected with BRCA1-related conditions. ClinVar contains an entry for this variant (Variation ID: 869007). Advanced modeling performed at Invitae incorporating data from internal and/or published experimental studies (PMID: 30209399) indicates that this missense variant is not expected to disrupt BRCA1 function with a negative predictive value of 95%. Experimental studies have shown that this missense change does not substantially affect BRCA1 function (PMID: 30209399). In summary, the available evidence is currently insufficient to determine the role of this variant in disease. Therefore, it has been classified as a Variant of Uncertain Significance.

Ambry Genetics
Classification: Likely benign for Hereditary cancer-predisposing syndrome. Last evaluated: 2023-05-22. Review status: criteria provided, single submitter. Criteria: Ambry Variant Classification Scheme 2023. Collection method: clinical testing. Allele origin: germline.

Brotman Baty Institute, University of Washington
No classification provided (evidence only). Condition: Breast-ovarian cancer, familial 1. Review status: no classification provided. Collection method: in vitro. Allele origin: not applicable. Functional consequence: functionally_normal. Not counted in ClinVar's aggregate classification.
ClinVar note: "not provided" was previously submitted as the classification for the variant. However, the classification appeared to be based only on an observation of functional data so it was converted to no classification on 2025-07-30.

Literature cited by the submitters: PubMed 30209399 (cited by Labcorp Genetics (formerly Invitae), Labcorp and Ambry Genetics).

NM_007294.4(BRCA1):c.5524G>A (p.Val1842Ile)

Gene: BRCA1 (BRCA1 DNA repair associated; minus strand). Cytogenetic location: 17q21.31.
Variant type: single nucleotide variant.
Coding change: c.5524G>A on transcript NM_007294.4 (MANE Select); coding-DNA position 5524, G replaced by A.
Protein change: p.Val1842Ile; replaces valine 1842 with isoleucine.
Molecular consequence: missense variant. On other transcripts: 3 prime UTR variant (1), non-coding transcript variant (1).
Genome position (GRCh38, 1-based): chr17:43,045,746, C>T on the plus strand (G>A on the coding strand, the complement: BRCA1 is on the minus strand). VCF-style: chr17-43045746-C-T. GRCh37 (hg19) VCF-style: chr17-41197763-C-T.
Other names: c.2002G>A, p.Val668Ile (NM_001408484.1, NM_001408485.1, NM_001408489.1 and 5 more transcripts); c.1999G>A, p.Val667Ile (NM_001408492.1, NM_001408493.1); c.1975G>A, p.Val659Ile (NM_001408494.1); c.1969G>A, p.Val657Ile (NM_001408495.1); c.1951G>A, p.Val651Ile (NM_001408496.1, NM_001408497.1, NM_001408498.1 and 3 more transcripts); c.5311G>A, p.Val1771Ile (NM_001407894.1, NM_001407895.1, NM_001407896.1 and 12 more transcripts); c.5521G>A, p.Val1841Ile (NM_001407622.1, NM_001407623.1, NM_001407624.1 and 14 more transcripts); c.5518G>A, p.Val1840Ile (NM_001407627.1, NM_001407628.1, NM_001407629.1 and 13 more transcripts); and 74 more; short protein forms V1842I, V1795I, V1863I, V738I, V1546I, V1758I, V1814I, V1838I.
Identifiers: ClinVar variation 869007 (VCV000869007.11), dbSNP rs1296005499, ClinGen allele CA10590271.
Genomic context (GRCh38, chr17:43,045,746, plus strand): 5'-GGCTGTGGGGGATCTGGGGTATCAGGTAGGTGTCCAGCTCCTGGCACTGGTAGAGTGCTA[C>T]ACTGTCCAACACCCACTCTCGGGTCACCACAGGTGCCTCACACATCTGCCCAATTGCTGG-3'
Protein context (NP_009225.1, residues 1832-1852): VVTREWVLDS[Val1842Ile]ALYQCQELDT